The following is an entry in ClinVar:

ClinVar aggregate classification (germline): Uncertain significance. Review status: criteria provided, multiple submitters, no conflicts (2 of 4 stars). 2 submissions from 2 submitters: Uncertain significance (2). Last evaluated 2024-02-26.

Conditions:
Arrhythmogenic right ventricular dysplasia 13. Also called: ARRHYTHMOGENIC RIGHT VENTRICULAR CARDIOMYOPATHY 13; Arrhythmogenic right ventricular dysplasia, familial, 13. Identifiers: MedGen C3810138, MONDO:0000908, OMIM 615616.

Allele frequency attached by ClinVar (database versions not stated): gnomAD 0.00001; gnomAD exomes 0.00001; TOPMed 0.00001; ExAC 0.00003.
gnomAD v4.1: 14 of 1,613,856 alleles (0.00087%); highest among the groups gnomAD compares: Non-Finnish European, 0.0011%; no homozygotes.

Submissions (2):

Ambry Genetics
Classification: Uncertain significance. Last evaluated: 2024-02-26. Review status: criteria provided, single submitter. Criteria: Ambry Variant Classification Scheme 2023. Collection method: clinical testing. Allele origin: germline.
Comment: The p.S783G variant (also known as c.2347A>G), located in coding exon 16 of the CTNNA3 gene, results from an A to G substitution at nucleotide position 2347. The serine at codon 783 is replaced by glycine, an amino acid with similar properties. This amino acid position is conserved. In addition, the in silico prediction for this alteration is inconclusive. Based on the available evidence, the clinical significance of this alteration remains unclear.

Labcorp Genetics (formerly Invitae), Labcorp
Classification: Uncertain significance for Arrhythmogenic right ventricular dysplasia 13. Last evaluated: 2023-12-09. Review status: criteria provided, single submitter. Criteria: Invitae Variant Classification Sherloc (09022015). Collection method: clinical testing. Allele origin: germline.
Comment: This sequence change replaces serine, which is neutral and polar, with glycine, which is neutral and non-polar, at codon 783 of the CTNNA3 protein (p.Ser783Gly). This variant is present in population databases (rs776814237, gnomAD 0.004%). This variant has not been reported in the literature in individuals affected with CTNNA3-related conditions. Advanced modeling of protein sequence and biophysical properties (such as structural, functional, and spatial information, amino acid conservation, physicochemical variation, residue mobility, and thermodynamic stability) has been performed at Invitae for this missense variant, however the output from this modeling did not meet the statistical confidence thresholds required to predict the impact of this variant on CTNNA3 protein function. In summary, the available evidence is currently insufficient to determine the role of this variant in disease. Therefore, it has been classified as a Variant of Uncertain Significance.

NM_013266.4(CTNNA3):c.2347A>G (p.Ser783Gly)

Gene: CTNNA3 (catenin alpha 3; minus strand). Cytogenetic location: 10q21.3.
Variant type: single nucleotide variant.
Coding change: c.2347A>G on transcript NM_013266.4 (MANE Select); coding-DNA position 2347, A replaced by G.
Protein change: p.Ser783Gly; replaces serine 783 with glycine.
Molecular consequence: missense variant.
Genome position (GRCh38, 1-based): chr10:65,966,665, T>C on the plus strand (A>G on the coding strand, the complement: CTNNA3 is on the minus strand). VCF-style: chr10-65966665-T-C. GRCh37 (hg19) VCF-style: chr10-67726423-T-C.
Other names: c.2347A>G (NM_013266.2); c.2347A>G, p.Ser783Gly (NM_001127384.3); short protein forms S783G.
Identifiers: ClinVar variation 2720094 (VCV002720094.4), dbSNP rs776814237, ClinGen allele CA5519623.